The following is an entry in ClinVar:

ClinVar aggregate classification (germline): Likely pathogenic (1 of 4 stars; one submission).

Conditions:
Medium-chain acyl-coenzyme A dehydrogenase deficiency (ACADMD). Also called: ACADM DEFICIENCY; CARNITINE DEFICIENCY SECONDARY TO MEDIUM-CHAIN ACYL-CoA DEHYDROGENASE DEFICIENCY; MCADH DEFICIENCY; MCADD; Medium chain acyl-CoA dehydrogenase deficiency; MCAD Deficiency. Identifiers: Orphanet 42, MedGen C0220710, MONDO:0008721, OMIM 201450.

Submission:

Natera, Inc.
Classification: Likely pathogenic for Medium Chain Acyl-CoA Dehydrogenase Deficiency. Last evaluated: 2025-01-14. Review status: criteria provided, single submitter. Criteria: Natera Variant Classification Schema (03/2026). Collection method: clinical testing. Allele origin: germline.
Comment: The c.257dup variant in ACADM is a frameshift variant predicted to shift the reading frame beginning at codon 86 and leads to a stop codon 19 codons downstream. This variant is expected to result in nonsense mediated decay, truncation, or a dysfunctional protein product. This variant is rare in the general population with a frequency below the threshold expected for the associated phenotype(s). Given the available evidence, this variant is classified as Likely Pathogenic.

NM_000016.6(ACADM):c.257dup (p.Leu86fs)

Gene: ACADM (acyl-CoA dehydrogenase medium chain; plus strand). Cytogenetic location: 1p31.1.
Variant type: Duplication.
Coding change: c.257dup on transcript NM_000016.6 (MANE Select); coding-DNA position 257, one base duplicated (T; older notation c.257dupT).
Protein change: p.Leu86fs; shifts the reading frame from leucine 86.
Molecular consequence: frameshift variant. On other transcripts: 5 prime UTR variant (1).
Genome position (GRCh38, 1-based): chr1:75,732,893, T duplicated; the last of 3 consecutive T bases (chr1:75,732,891-75,732,893); duplicating any one gives the same sequence. VCF-style (leftmost placement, unchanged base first): chr1-75732890-G-GT. GRCh37 (hg19) VCF-style: chr1-76198575-G-GT.
Other names: c.269dup, p.Leu90fs (NM_001127328.3); c.149dup, p.Leu50fs (NM_001286042.2); c.257dup, p.Leu86fs (NM_001286043.2); c.-129dup (NM_001286044.2); short protein forms L50fs, L86fs, L90fs.
Identifiers: ClinVar variation 4064847 (VCV004064847.2).